The following is an entry in ClinVar:

ClinVar aggregate classification (germline): Likely benign. Review status: criteria provided, multiple submitters, no conflicts (2 of 4 stars). 2 submissions from 2 submitters: Likely benign (2). Last evaluated 2025-11-26.

Conditions:
MASP1-related disorder. Also called: MASP1-related condition.

gnomAD v4.1: 319 of 1,613,846 alleles (0.02%); highest among the groups gnomAD compares: Non-Finnish European, 0.023%; no homozygotes.

Submissions (2):

PreventionGenetics, part of Exact Sciences
Classification: Likely benign for MASP1-related condition. Last evaluated: 2025-11-26. Review status: criteria provided, single submitter. Criteria: ACMG Guidelines, 2015. Collection method: clinical testing. Allele origin: germline.
Comment: This variant is classified as likely benign based on ACMG/AMP sequence variant interpretation guidelines (Richards et al. 2015 PMID: 25741868, with internal and published modifications).

Blueprint Genetics
Classification: Likely benign. Last evaluated: 2024-05-31. Review status: criteria provided, single submitter. Criteria: ACMG Guidelines, 2015. Collection method: clinical testing. Allele origin: germline.

NM_001879.6(MASP1):c.1701C>T (p.Phe567=)

Gene: MASP1 (MBL associated serine protease 1; minus strand). Cytogenetic location: 3q27.3.
Variant type: single nucleotide variant.
Coding change: c.1701C>T on transcript NM_001879.6 (MANE Plus Clinical); coding-DNA position 1701, C replaced by T.
Protein change: p.Phe567=; no amino-acid change (phenylalanine 567 retained).
Molecular consequence: synonymous variant.
Genome position (GRCh38, 1-based): chr3:187,225,364, G>A on the plus strand (C>T on the coding strand, the complement: MASP1 is on the minus strand). VCF-style: chr3-187225364-G-A. GRCh37 (hg19) VCF-style: chr3-186943152-G-A.
Identifiers: ClinVar variation 4965380 (VCV004965380.2).